The following is an entry in ClinVar:

NM_001447.3(FAT2):c.676C>T (p.Arg226Cys)

Gene: FAT2 (FAT atypical cadherin 2; minus strand). Cytogenetic location: 5q33.1.
Variant type: single nucleotide variant.
Coding change: c.676C>T on transcript NM_001447.3 (MANE Select); coding-DNA position 676, C replaced by T.
Protein change: p.Arg226Cys; replaces arginine 226 with cysteine.
Molecular consequence: missense variant.
Genome position (GRCh38, 1-based): chr5:151,568,256, G>A on the plus strand (C>T on the coding strand, the complement: FAT2 is on the minus strand). VCF-style: chr5-151568256-G-A. GRCh37 (hg19) VCF-style: chr5-150947817-G-A.
Other names: short protein forms R226C.
Identifiers: ClinVar variation 2892012 (VCV002892012.3), dbSNP rs753576697, ClinGen allele CA3522394.

ClinVar aggregate classification (germline): Uncertain significance (1 of 4 stars; one submission).

Allele frequency attached by ClinVar (database versions not stated): ExAC 0.00001; gnomAD 0.00001; gnomAD exomes 0.00001; TOPMed 0.00004.

Submission:

Labcorp Genetics (formerly Invitae), Labcorp
Classification: Uncertain significance. Last evaluated: 2024-04-16. Review status: criteria provided, single submitter. Criteria: Invitae Variant Classification Sherloc (09022015). Collection method: clinical testing. Allele origin: germline.
Comment: This sequence change replaces arginine, which is basic and polar, with cysteine, which is neutral and slightly polar, at codon 226 of the FAT2 protein (p.Arg226Cys). This variant is present in population databases (rs753576697, gnomAD 0.01%). This variant has not been reported in the literature in individuals affected with FAT2-related conditions. An algorithm developed to predict the effect of missense changes on protein structure and function (PolyPhen-2) suggests that this variant is likely to be disruptive. In summary, the available evidence is currently insufficient to determine the role of this variant in disease. Therefore, it has been classified as a Variant of Uncertain Significance.